The following is an entry in ClinVar:

ClinVar aggregate classification (germline): Uncertain significance (1 of 4 stars; one submission).

Conditions:
Familial cold autoinflammatory syndrome 3 (FCAS3). Also called: FAMILIAL ATYPICAL COLD URTICARIA; ANTIBODY DEFICIENCY AND IMMUNE DYSREGULATION, PLCG2-ASSOCIATED. Identifiers: Orphanet 300359, MedGen C3280914, MONDO:0013766, OMIM 614468.

gnomAD v4.1: 2 of 1,614,012 alleles (0.00012%); highest among the groups gnomAD compares: Middle Eastern, 0.016%; no homozygotes.

Submission:

Labcorp Genetics (formerly Invitae), Labcorp
Classification: Uncertain significance for Familial cold autoinflammatory syndrome 3. Last evaluated: 2024-12-12. Review status: criteria provided, single submitter. Criteria: Invitae Variant Classification Sherloc (09022015). Collection method: clinical testing. Allele origin: germline.
Comment: This sequence change replaces serine, which is neutral and polar, with cysteine, which is neutral and slightly polar, at codon 1029 of the PLCG2 protein (p.Ser1029Cys). This variant is not present in population databases (gnomAD no frequency). This missense change has been observed in individual(s) with PLCG2-related conditions (PMID: 37769878). An algorithm developed to predict the effect of missense changes on protein structure and function (PolyPhen-2) suggests that this variant is likely to be disruptive. Experimental studies are conflicting or provide insufficient evidence to determine the effect of this variant on PLCG2 function (PMID: 37769878). In summary, the available evidence is currently insufficient to determine the role of this variant in disease. Therefore, it has been classified as a Variant of Uncertain Significance.

Literature cited by the submitters: PubMed 37769878.

NM_002661.5(PLCG2):c.3086C>G (p.Ser1029Cys)

Gene: PLCG2 (phospholipase C gamma 2; plus strand). Cytogenetic location: 16q23.3.
Variant type: single nucleotide variant.
Coding change: c.3086C>G on transcript NM_002661.5 (MANE Select); coding-DNA position 3086, C replaced by G.
Protein change: p.Ser1029Cys; replaces serine 1029 with cysteine.
Molecular consequence: missense variant.
Genome position (GRCh38, 1-based): chr16:81,937,791, C>G. VCF-style: chr16-81937791-C-G. GRCh37 (hg19) VCF-style: chr16-81971396-C-G.
Other names: c.3086C>G, p.Ser1029Cys (NM_001425749.1, NM_001425750.1, NM_001425751.1); short protein forms S1029C.
Identifiers: ClinVar variation 3679948 (VCV003679948.2).
Genomic context (GRCh38, chr16:81,937,791, plus strand): 5'-ACAGCAGGCGTTCACTTTCCTTCCCAGATAAGTACATGCAGATGAATCACGCATTGTTTT[C>G]TCTCAATGGGCGCACGGGCTACGTTCTGCAGCCTGAGAGCATGAGGACAGAGAAATATGA-3'
Protein context (NP_002652.2, residues 1019-1039): KYMQMNHALF[Ser1029Cys]LNGRTGYVLQ